The following is an entry in ClinVar:

ClinVar aggregate classification (germline): Uncertain significance (1 of 4 stars; one submission).

Allele frequency attached by ClinVar (database versions not stated): gnomAD exomes below 0.00001; TOPMed 0.00001.
gnomAD v4.1: 2 of 1,524,052 alleles (0.00013%); highest among the groups gnomAD compares: Admixed American, 0.0034%; no homozygotes.

Submission:

Labcorp Genetics (formerly Invitae), Labcorp
Classification: Uncertain significance. Last evaluated: 2021-12-31. Review status: criteria provided, single submitter. Criteria: Invitae Variant Classification Sherloc (09022015). Collection method: clinical testing. Allele origin: germline.
Comment: This sequence change replaces lysine, which is basic and polar, with arginine, which is basic and polar, at codon 122 of the CCDC88A protein (p.Lys122Arg). The frequency data for this variant in the population databases is considered unreliable, as metrics indicate poor data quality at this position in the gnomAD database. This variant has not been reported in the literature in individuals affected with CCDC88A-related conditions. Algorithms developed to predict the effect of missense changes on protein structure and function (SIFT, PolyPhen-2, Align-GVGD) all suggest that this variant is likely to be tolerated. In summary, the available evidence is currently insufficient to determine the role of this variant in disease. Therefore, it has been classified as a Variant of Uncertain Significance.

NM_001365480.1(CCDC88A):c.365A>G (p.Lys122Arg)

Gene: CCDC88A (coiled-coil domain containing 88A; minus strand). Cytogenetic location: 2p16.1.
Variant type: single nucleotide variant.
Coding change: c.365A>G on transcript NM_001365480.1 (MANE Select); coding-DNA position 365, A replaced by G.
Protein change: p.Lys122Arg; replaces lysine 122 with arginine.
Molecular consequence: missense variant.
Genome position (GRCh38, 1-based): chr2:55,372,489, T>C on the plus strand (A>G on the coding strand, the complement: CCDC88A is on the minus strand). VCF-style: chr2-55372489-T-C. GRCh37 (hg19) VCF-style: chr2-55599625-T-C.
Other names: c.365A>G, p.Lys122Arg (NM_001135597.2, NM_001254943.2, NM_018084.5); short protein forms K122R.
Identifiers: ClinVar variation 2180669 (VCV002180669.1), dbSNP rs1047915850, ClinGen allele CA47589582.